The following is an entry in ClinVar:

ClinVar aggregate classification (germline): Uncertain significance. Review status: criteria provided, multiple submitters, no conflicts (2 of 4 stars). 2 submissions from 2 submitters: Uncertain significance (2). Last evaluated 2026-08-06.

Conditions:
Familial acute necrotizing encephalopathy (IIAE3). Also called: ENCEPHALOPATHY, ACUTE, INFECTION-INDUCED, SUSCEPTIBILITY TO, 3; Susceptibility to Acute Necrotizing Encephalopathy 1. Identifiers: Orphanet 88619, MedGen C2675556, MONDO:0011953, OMIM 608033.

Allele frequency attached by ClinVar (database versions not stated): ExAC 0.00002; TOPMed 0.00007; 1000 Genomes Project 0.00040; 1000 Genomes Project 30x 0.00047.
gnomAD v4.1: 48 of 1,611,886 alleles (0.003%); highest among the groups gnomAD compares: Admixed American, 0.038%; no homozygotes.

Submissions (2):

OLLIN Analises Genomicas, OLLIN
Classification: Uncertain significance for Familial acute necrotizing encephalopathy. Last evaluated: 2026-08-06. Review status: criteria provided, single submitter. Criteria: ACMG Guidelines 2015 PMID 25741868. Collection method: clinical testing. Allele origin: germline.
Comment: This missense variant, located in exon 20 (of 29), has been reported in ClinVar (accession VCV000843837.11) and in gnomAD with an allele frequency of 0.003%. However, to our knowledge, it has not been reported in the scientific literature. In silico analysis predicts that this variant has a tolerated effect. According to the currently available evidence, this variant has been classified as uncertain significance (BP4_M).

Labcorp Genetics (formerly Invitae), Labcorp
Classification: Uncertain significance for Familial acute necrotizing encephalopathy. Last evaluated: 2022-02-04. Review status: criteria provided, single submitter. Criteria: Invitae Variant Classification Sherloc (09022015). Collection method: clinical testing. Allele origin: germline.
Comment: In summary, the available evidence is currently insufficient to determine the role of this variant in disease. Therefore, it has been classified as a Variant of Uncertain Significance. Algorithms developed to predict the effect of missense changes on protein structure and function (SIFT, PolyPhen-2, Align-GVGD) all suggest that this variant is likely to be tolerated. ClinVar contains an entry for this variant (Variation ID: 843837). This variant has not been reported in the literature in individuals affected with RANBP2-related conditions. This variant is present in population databases (rs199920895, gnomAD 0.003%). This sequence change replaces arginine, which is basic and polar, with cysteine, which is neutral and slightly polar, at codon 1934 of the RANBP2 protein (p.Arg1934Cys).

NM_006267.5(RANBP2):c.5800C>T (p.Arg1934Cys)

Gene: RANBP2 (RAN binding protein 2; plus strand). Cytogenetic location: 2q13.
Variant type: single nucleotide variant.
Coding change: c.5800C>T on transcript NM_006267.5 (MANE Select); coding-DNA position 5800, C replaced by T.
Protein change: p.Arg1934Cys; replaces arginine 1934 with cysteine.
Molecular consequence: missense variant.
Genome position (GRCh38, 1-based): chr2:108,766,339, C>T. VCF-style: chr2-108766339-C-T. GRCh37 (hg19) VCF-style: chr2-109382795-C-T.
Other names: short protein forms R1934C.
Identifiers: ClinVar variation 843837 (VCV000843837.12), dbSNP rs199920895, ClinGen allele CA1823343.
Genomic context (GRCh38, chr2:108,766,339, plus strand): 5'-AAGCCTCTTGAAAATGGTACTGGCTTCCAGGCTCAGGATATTAGTGGCCAGAAGAATGGC[C>T]GTGGTGTGATTTTTGGCCAAACAAGTAGCACTTTTACATTTGCAGATCTTGCAAAATCAA-3'
Protein context (NP_006258.3, residues 1924-1944): AQDISGQKNG[Arg1934Cys]GVIFGQTSST